The following is an entry in ClinVar:

ClinVar aggregate classification (germline): Likely benign. Review status: criteria provided, multiple submitters, no conflicts (2 of 4 stars). 2 submissions from 2 submitters: Likely benign (2). Last evaluated 2025-06-11.

Conditions:
Charcot-Marie-Tooth disease type 4. Also called: Charcot-Marie-Tooth, Type 4; Charcot-Marie-Tooth disease, type IV. Identifiers: Orphanet 64749, MedGen C4082197, MONDO:0018995.

Submissions (2):

Labcorp Genetics (formerly Invitae), Labcorp
Classification: Likely benign for Charcot-Marie-Tooth disease type 4. Last evaluated: 2025-06-11. Review status: criteria provided, single submitter. Criteria: Invitae Variant Classification Sherloc (09022015). Collection method: clinical testing. Allele origin: germline.

CeGaT Center for Human Genetics Tuebingen
Classification: Likely benign. Last evaluated: 2025-02-01. Review status: criteria provided, single submitter. Criteria: CeGaT Center For Human Genetics Tuebingen Variant Classification Criteria Version 2. Collection method: clinical testing. Allele origin: germline. Affected: yes. Observed: 1 variant allele.
Comment: PRX: BP4, BP7

NM_181882.3(PRX):c.1893C>T (p.Leu631=)

Gene: PRX (periaxin; minus strand). Cytogenetic location: 19q13.2.
Variant type: single nucleotide variant.
Coding change: c.1893C>T on transcript NM_181882.3 (MANE Select); coding-DNA position 1893, C replaced by T.
Protein change: p.Leu631=; no amino-acid change (leucine 631 retained).
Molecular consequence: synonymous variant. On other transcripts: 3 prime UTR variant (1).
Genome position (GRCh38, 1-based): chr19:40,396,459, G>A on the plus strand (C>T on the coding strand, the complement: PRX is on the minus strand). VCF-style: chr19-40396459-G-A. GRCh37 (hg19) VCF-style: chr19-40902366-G-A.
Other names: c.2178C>T, p.Leu726= (NM_001411127.1); c.*2098C>T (NM_020956.2).
Identifiers: ClinVar variation 3708463 (VCV003708463.15).